The following is an entry in ClinVar:

NM_005032.7(PLS3):c.247G>A (p.Glu83Lys)

Gene: PLS3 (plastin 3; plus strand). Cytogenetic location: Xq23.
Variant type: single nucleotide variant.
Coding change: c.247G>A on transcript NM_005032.7 (MANE Select); coding-DNA position 247, G replaced by A.
Protein change: p.Glu83Lys; replaces glutamic acid 83 with lysine.
Molecular consequence: missense variant.
Genome position (GRCh38, 1-based): chrX:115,629,207, G>A. VCF-style: chrX-115629207-G-A. GRCh37 (hg19) VCF-style: chrX-114863519-G-A.
Other names: c.247G>A, p.Glu83Lys (NM_001136025.5); c.166G>A, p.Glu56Lys (NM_001172335.3); c.181G>A, p.Glu61Lys (NM_001282337.2); c.112G>A, p.Glu38Lys (NM_001282338.2); short protein forms E61K, E38K, E56K, E83K.
Identifiers: ClinVar variation 1943208 (VCV001943208.5), dbSNP rs2521409562, ClinGen allele CA414332612.

ClinVar aggregate classification (germline): Uncertain significance (1 of 4 stars; one submission).

Submission:

Labcorp Genetics (formerly Invitae), Labcorp
Classification: Uncertain significance. Last evaluated: 2022-03-27. Review status: criteria provided, single submitter. Criteria: Invitae Variant Classification Sherloc (09022015). Collection method: clinical testing. Allele origin: germline.
Comment: In summary, the available evidence is currently insufficient to determine the role of this variant in disease. Therefore, it has been classified as a Variant of Uncertain Significance. Algorithms developed to predict the effect of sequence changes on RNA splicing suggest that this variant may create or strengthen a splice site. Algorithms developed to predict the effect of missense changes on protein structure and function (SIFT, PolyPhen-2, Align-GVGD) all suggest that this variant is likely to be tolerated. This variant has not been reported in the literature in individuals affected with PLS3-related conditions. This variant is not present in population databases (gnomAD no frequency). This sequence change replaces glutamic acid, which is acidic and polar, with lysine, which is basic and polar, at codon 83 of the PLS3 protein (p.Glu83Lys).